The following is an entry in ClinVar:

ClinVar aggregate classification (germline): Uncertain significance (1 of 4 stars; one submission).

Conditions:
Hereditary cancer-predisposing syndrome. Also called: Neoplastic Syndromes, Hereditary; Tumor predisposition; Hereditary neoplastic syndrome; Hereditary Cancer Syndrome. Identifiers: Orphanet 140162, MedGen C0027672, MeSH D009386, MONDO:0015356.

Submission:

Ambry Genetics
Classification: Uncertain significance for Hereditary cancer-predisposing syndrome. Last evaluated: 2021-05-26. Review status: criteria provided, single submitter. Criteria: Ambry Variant Classification Scheme 2023. Collection method: clinical testing. Allele origin: germline.
Comment: The c.3610_3611delGGinsTT variant (also known as p.G1204L), located in coding exon 23 of the RAD50 gene, results from an in-frame deletion of GG and insertion of TT at nucleotide positions 3610 to 3611. This results in the substitution of the glycine residue for a leucine residue at codon 1204, an amino acid with dissimilar properties. This amino acid position is highly conserved in available vertebrate species. In addition, this alteration is predicted to be deleterious by in silico analysis (Choi Y et al. PLoS ONE. 2012; 7(10):e46688). Since supporting evidence is limited at this time, the clinical significance of this alteration remains unclear.

NM_005732.4(RAD50):c.3610_3611delinsTT (p.Gly1204Leu)

Genes: TH2LCRR (T helper type 2 locus control region associated RNA; minus strand), RAD50 (RAD50 double strand break repair protein; plus strand), TH2-LCR (Th2 cytokine locus control region; plus strand). Cytogenetic location: 5q31.1.
Variant type: Indel.
Coding change: c.3610_3611delinsTT on transcript NM_005732.4 (MANE Select); coding-DNA positions 3610 to 3611, GG replaced by TT.
Protein change: p.Gly1204Leu; replaces glycine 1204 with leucine.
Molecular consequence: missense variant. On other transcripts: non-coding transcript variant (3).
Genome position (GRCh38, 1-based): chr5:132,638,215-132,638,216, GG replaced by TT. VCF-style: chr5-132638215-GG-TT. GRCh37 (hg19) VCF-style: chr5-131973907-GG-TT.
Other names: short protein forms G1204L.
Identifiers: ClinVar variation 823989 (VCV000823989.4), dbSNP rs1581021304, ClinGen allele CA915942558.
Genomic context (GRCh38, chr5:132,638,215, plus strand): 5'-TACCGAGTGGTGATGCTGAAGGGAGACACAGCCTTGGATATGCGAGGACGATGCAGTGCT[GG>TT]ACAAAAGGCAGGTATCTCAAAAGCCTGGGGAGCCAACTCACCCAAGTAACTGAAAGAGAG-3'
Protein context (NP_005723.2, residues 1194-1214): ALDMRGRCSA[Gly1204Leu]QKVLASLIIR